The following is an entry in ClinVar:

ClinVar aggregate classification (germline): Likely benign (1 of 4 stars; one submission).

gnomAD v4.1: 29 of 1,613,808 alleles (0.0018%); highest among the groups gnomAD compares: South Asian, 0.0077%; no homozygotes.

Submission:

Mayo Clinic Laboratories, Mayo Clinic
Classification: Likely benign. Last evaluated: 2025-06-24. Review status: criteria provided, single submitter. Criteria: ACMG Guidelines, 2015. Collection method: clinical testing. Allele origin: germline. Observed: 1 variant allele.
Comment: BS1, BP4_moderate

NM_198947.4(FAM111B):c.188A>G (p.His63Arg)

Gene: FAM111B (FAM111 trypsin like peptidase B; plus strand). Cytogenetic location: 11q12.1.
Variant type: single nucleotide variant.
Coding change: c.188A>G on transcript NM_198947.4 (MANE Select); coding-DNA position 188, A replaced by G.
Protein change: p.His63Arg; replaces histidine 63 with arginine.
Molecular consequence: missense variant.
Genome position (GRCh38, 1-based): chr11:59,124,285, A>G. VCF-style: chr11-59124285-A-G. GRCh37 (hg19) VCF-style: chr11-58891758-A-G.
Other names: p.His63Arg; c.98A>G, p.His33Arg (NM_001142703.2, NM_001142704.2); short protein forms H33R, H63R.
Identifiers: ClinVar variation 4683623 (VCV004683623.1).